The following is an entry in ClinVar:

NM_032977.4(CASP10):c.610G>C (p.Glu204Gln)

Gene: CASP10 (caspase 10; plus strand). Cytogenetic location: 2q33.1.
Variant type: single nucleotide variant.
Coding change: c.610G>C on transcript NM_032977.4 (MANE Select); coding-DNA position 610, G replaced by C.
Protein change: p.Glu204Gln; replaces glutamic acid 204 with glutamine.
Molecular consequence: missense variant.
Genome position (GRCh38, 1-based): chr2:201,195,874, G>C. VCF-style: chr2-201195874-G-C. GRCh37 (hg19) VCF-style: chr2-202060597-G-C.
Other names: c.610G>C, p.Glu204Gln (NM_001206524.2, NM_001206542.2, NM_001230.5 and 3 more transcripts); short protein forms E204Q.
Identifiers: ClinVar variation 2939990 (VCV002939990.3), dbSNP rs778773099, ClinGen allele CA2052929.
Genomic context (GRCh38, chr2:201,195,874, plus strand): 5'-ATTTTTCTGTCTGTGATTTTATTTTCAGCTATCCAGATAGTGACACCTCCTGTAGACAAG[G>C]AAGCCGAGTCGTATCAAGGAGAGGAAGAACTAGTTTCCCAAACAGATGTTAAGACATTCT-3'
Protein context (NP_116759.2, residues 194-214): IQIVTPPVDK[Glu204Gln]AESYQGEEEL

ClinVar aggregate classification (germline): Uncertain significance (1 of 4 stars; one submission).

Conditions:
Autoimmune lymphoproliferative syndrome type 2A (ALPS2A). Also called: CASP10-Related Autoimmune Lymphoproliferative Syndrome; AUTOIMMUNE LYMPHOPROLIFERATIVE SYNDROME, TYPE IIA; Autoimmune lymphoproliferative syndrome type 2. Identifiers: Orphanet 3261, MedGen C1858968, MONDO:0011383, OMIM 603909.

Allele frequency attached by ClinVar (database versions not stated): gnomAD 0.00001.
gnomAD v4.1: 10 of 1,613,768 alleles (0.00062%); highest among the groups gnomAD compares: Non-Finnish European, 0.00076%; no homozygotes.

Submission:

Labcorp Genetics (formerly Invitae), Labcorp
Classification: Uncertain significance for Autoimmune lymphoproliferative syndrome type 2A. Last evaluated: 2022-11-10. Review status: criteria provided, single submitter. Criteria: Invitae Variant Classification Sherloc (09022015). Collection method: clinical testing. Allele origin: germline.
Comment: In summary, the available evidence is currently insufficient to determine the role of this variant in disease. Therefore, it has been classified as a Variant of Uncertain Significance. Algorithms developed to predict the effect of missense changes on protein structure and function (SIFT, PolyPhen-2, Align-GVGD) all suggest that this variant is likely to be tolerated. This variant has not been reported in the literature in individuals affected with CASP10-related conditions. This variant is present in population databases (rs778773099, gnomAD 0.0009%). This sequence change replaces glutamic acid, which is acidic and polar, with glutamine, which is neutral and polar, at codon 204 of the CASP10 protein (p.Glu204Gln).